The following is an entry in ClinVar:

NM_002617.4(PEX10):c.600+9C>G

Gene: PEX10 (peroxisomal biogenesis factor 10; minus strand). Cytogenetic location: 1p36.32.
Variant type: single nucleotide variant.
Coding change: c.600+9C>G on transcript NM_002617.4 (MANE Select); 9 bases into the intron after coding-DNA position 600, C replaced by G.
Molecular consequence: intron variant.
Genome position (GRCh38, 1-based): chr1:2,408,443, G>C on the plus strand (C>G on the coding strand, the complement: PEX10 is on the minus strand). VCF-style: chr1-2408443-G-C. GRCh37 (hg19) VCF-style: chr1-2339882-G-C.
Other names: c.168+9C>G (NM_001374427.1, NM_001374426.1); c.600+9C>G (NM_001374425.1, NM_153818.2).
Identifiers: ClinVar variation 3048489 (VCV003048489.2), dbSNP rs761202759, ClinGen allele CA2740090562.
Genomic context (GRCh38, chr1:2,408,443, plus strand): 5'-ATGCACCCAAGTCCAGTGGGGGTGACAAGGACGGCCTAAGCAGCTGTGCCCTCAGCGCCT[G>C]CTACTTACGTACGTGATCCCCGTGAGCCTCTTGGCCAGGTGGTAGAAGACACCGTGGATG-3'

ClinVar aggregate classification (germline): Likely benign (0 of 4 stars; one submission).

Conditions:
PEX10-related disorder. Also called: PEX10-related condition.

Submission:

PreventionGenetics, part of Exact Sciences
Classification: Likely benign for PEX10-related condition. Last evaluated: 2023-06-28. Review status: no assertion criteria provided. Collection method: clinical testing. Allele origin: germline.
Comment: This variant is classified as likely benign based on ACMG/AMP sequence variant interpretation guidelines (Richards et al. 2015 PMID: 25741868, with internal and published modifications).